The following is an entry in ClinVar:

ClinVar aggregate classification (germline): Uncertain significance (1 of 4 stars; one submission).

Conditions:
Hajdu-Cheney syndrome (HJCYS). Also called: SERPENTINE FIBULA-POLYCYSTIC KIDNEY SYNDROME; Acroosteolysis dominant type; ACROOSTEOLYSIS WITH OSTEOPOROSIS AND CHANGES IN SKULL AND MANDIBLE. Identifiers: Orphanet 955, MedGen C0917715, MONDO:0007057, OMIM 102500.

Submission:

Labcorp Genetics (formerly Invitae), Labcorp
Classification: Uncertain significance for Hajdu-Cheney syndrome. Last evaluated: 2025-05-19. Review status: criteria provided, single submitter. Criteria: Invitae Variant Classification Sherloc (09022015). Collection method: clinical testing. Allele origin: germline.
Comment: This sequence change replaces asparagine, which is neutral and polar, with serine, which is neutral and polar, at codon 1493 of the NOTCH2 protein (p.Asn1493Ser). This variant is not present in population databases (gnomAD no frequency). This variant has not been reported in the literature in individuals affected with NOTCH2-related conditions. ClinVar contains an entry for this variant (Variation ID: 2110880). Invitae Evidence Modeling of protein sequence and biophysical properties (such as structural, functional, and spatial information, amino acid conservation, physicochemical variation, residue mobility, and thermodynamic stability) indicates that this missense variant is not expected to disrupt NOTCH2 protein function with a negative predictive value of 80%. In summary, the available evidence is currently insufficient to determine the role of this variant in disease. Therefore, it has been classified as a Variant of Uncertain Significance.

NM_024408.4(NOTCH2):c.4478A>G (p.Asn1493Ser)

Gene: NOTCH2 (notch receptor 2; minus strand). Cytogenetic location: 1p12.
Variant type: single nucleotide variant.
Coding change: c.4478A>G on transcript NM_024408.4 (MANE Select); coding-DNA position 4478, A replaced by G.
Protein change: p.Asn1493Ser; replaces asparagine 1493 with serine.
Molecular consequence: missense variant.
Genome position (GRCh38, 1-based): chr1:119,925,338, T>C on the plus strand (A>G on the coding strand, the complement: NOTCH2 is on the minus strand). VCF-style: chr1-119925338-T-C. GRCh37 (hg19) VCF-style: chr1-120467961-T-C.
Other names: short protein forms N1493S.
Identifiers: ClinVar variation 2110880 (VCV002110880.4), dbSNP rs2101161645, ClinGen allele CA341889737.